The following is an entry in ClinVar:

NM_006267.5(RANBP2):c.3558T>A (p.Thr1186=)

Gene: RANBP2 (RAN binding protein 2; plus strand). Cytogenetic location: 2q13.
Variant type: single nucleotide variant.
Coding change: c.3558T>A on transcript NM_006267.5 (MANE Select); coding-DNA position 3558, T replaced by A.
Protein change: p.Thr1186=; no amino-acid change (threonine 1186 retained).
Molecular consequence: synonymous variant.
Genome position (GRCh38, 1-based): chr2:108,764,097, T>A. VCF-style: chr2-108764097-T-A. GRCh37 (hg19) VCF-style: chr2-109380553-T-A.
Other names: c.3558T>A, p.Thr1186= (NM_001415871.1, NM_001415873.1); c.3555T>A, p.Thr1185= (NM_001415872.1).
Identifiers: ClinVar variation 2651249 (VCV002651249.24), dbSNP rs2467616840, ClinGen allele CA428200570.

ClinVar aggregate classification (germline): Likely benign (1 of 4 stars; one submission).

Submission:

CeGaT Center for Human Genetics Tuebingen
Classification: Likely benign. Last evaluated: 2023-03-01. Review status: criteria provided, single submitter. Criteria: CeGaT Center For Human Genetics Tuebingen Variant Classification Criteria Version 2. Collection method: clinical testing. Allele origin: germline. Affected: yes. Observed: 1 variant allele.
Comment: RANBP2: PM2:Supporting, BP4, BP7